The following is an entry in ClinVar:

ClinVar aggregate classification (germline): Likely pathogenic. Review status: criteria provided, multiple submitters, no conflicts (2 of 4 stars). 2 submissions from 2 submitters: Likely pathogenic (2). Last evaluated 2025-01-08.

Conditions:
Retinitis pigmentosa 88. Identifiers: MedGen C5394208, MONDO:0032940, OMIM 618826.

Submissions (2):

First Genomix Gene Laboratory, Genetic Diagnostics Department
Classification: Likely pathogenic for Retinitis pigmentosa 88. Last evaluated: 2025-01-08. Review status: criteria provided, single submitter. Criteria: ACMG Guidelines, 2015. Collection method: clinical testing. Allele origin: germline. Inheritance: Autosomal recessive inheritance. Affected: no. Observed: 1 variant allele.

Institute of Medical Molecular Genetics, University of Zurich
Classification: Likely pathogenic for Retinitis pigmentosa 88. Last evaluated: 2021-01-30. Review status: criteria provided, single submitter. Criteria: ACMG Guidelines, 2015. Collection method: clinical testing. Allele origin: unknown. Affected: yes.

NM_178857.6(RP1L1):c.196G>C (p.Asp66His)

Gene: RP1L1 (RP1 like 1). Cytogenetic location: 8p23.1.
Variant type: single nucleotide variant.
Coding change: c.196G>C on transcript NM_178857.6 (MANE Select); coding-DNA position 196, G replaced by C.
Protein change: p.Asp66His; replaces aspartic acid 66 with histidine.
Molecular consequence: missense variant.
Genome position (GRCh38, 1-based): chr8:10,623,006, C>G on the plus strand (G>C on the coding strand, the complement: RP1L1 is on the minus strand). VCF-style: chr8-10623006-C-G. GRCh37 (hg19) VCF-style: chr8-10480516-C-G.
Other names: short protein forms D66H.
Identifiers: ClinVar variation 1048147 (VCV001048147.2), dbSNP rs760478436, ClinGen allele CA370300882.